The following is an entry in ClinVar:

NM_206933.4(USH2A):c.2761C>A (p.Leu921Met)

Genes: USH2A (usherin; minus strand), LOC122152296 (Sharpr-MPRA regulatory region 8762; plus strand). Cytogenetic location: 1q41.
Variant type: single nucleotide variant.
Coding change: c.2761C>A on transcript NM_206933.4 (MANE Select); coding-DNA position 2761, C replaced by A.
Protein change: p.Leu921Met; replaces leucine 921 with methionine.
Molecular consequence: missense variant.
Genome position (GRCh38, 1-based): chr1:216,246,633, G>T on the plus strand (C>A on the coding strand, the complement: USH2A is on the minus strand). VCF-style: chr1-216246633-G-T. GRCh37 (hg19) VCF-style: chr1-216419975-G-T.
Other names: c.2761C>A, p.Leu921Met (NM_007123.6); short protein forms L921M.
Identifiers: ClinVar variation 805744 (VCV000805744.5), dbSNP rs772211390, ClinGen allele CA1396173.

ClinVar aggregate classification (germline): Uncertain significance. Review status: criteria provided, multiple submitters, no conflicts (2 of 4 stars). 4 submissions from 3 submitters: Uncertain significance (4). Last evaluated 2024-07-30.

Conditions:
Usher syndrome type 2A. Also called: RETINAL DISEASE IN USHER SYNDROME TYPE IIA, MODIFIER OF; USHER SYNDROME, TYPE IIA. Identifiers: Orphanet 231178, Orphanet 886, MedGen C1848634, MONDO:0010169, OMIM 276901.
Retinitis pigmentosa 39 (RP39). Identifiers: Orphanet 791, MedGen C3151138, MONDO:0013436, OMIM 613809.

Allele frequency attached by ClinVar (database versions not stated): gnomAD 0.00001; TOPMed 0.00001.
gnomAD v4.1: 3 of 1,613,950 alleles (0.00019%); highest among the groups gnomAD compares: African/African-American, 0.004%; no homozygotes.

Submissions (4):

Athena Diagnostics
Classification: Uncertain significance. Last evaluated: 2024-07-30. Review status: criteria provided, single submitter. Criteria: Athena Diagnostics Criteria. Collection method: clinical testing. Allele origin: unknown.
Comment: Available data are insufficient to determine the clinical significance of the variant at this time. The frequency of this variant in the general population is uninformative in assessment of its pathogenicity. Polyphen and MutationTaster predict this amino acid change may be benign.

Genome-Nilou Lab
Classification: Uncertain significance for Retinitis pigmentosa 39. Last evaluated: 2023-11-04. Review status: criteria provided, single submitter. Criteria: ACMG Guidelines, 2015. Collection method: clinical testing. Allele origin: germline. Affected: no.

Genome-Nilou Lab
Classification: Uncertain significance for Usher syndrome type 2A. Last evaluated: 2023-11-04. Review status: criteria provided, single submitter. Criteria: ACMG Guidelines, 2015. Collection method: clinical testing. Allele origin: germline. Affected: no.

Labcorp Genetics (formerly Invitae), Labcorp
Classification: Uncertain significance. Last evaluated: 2022-06-10. Review status: criteria provided, single submitter. Criteria: Invitae Variant Classification Sherloc (09022015). Collection method: clinical testing. Allele origin: germline.
Comment: This sequence change replaces leucine, which is neutral and non-polar, with methionine, which is neutral and non-polar, at codon 921 of the USH2A protein (p.Leu921Met). This variant is present in population databases (rs772211390, gnomAD 0.01%). This variant has not been reported in the literature in individuals affected with USH2A-related conditions. ClinVar contains an entry for this variant (Variation ID: 805744). Algorithms developed to predict the effect of missense changes on protein structure and function are either unavailable or do not agree on the potential impact of this missense change (SIFT: "Tolerated"; PolyPhen-2: "Possibly Damaging"; Align-GVGD: "Class C0"). In summary, the available evidence is currently insufficient to determine the role of this variant in disease. Therefore, it has been classified as a Variant of Uncertain Significance.